The following is an entry in ClinVar:

ClinVar aggregate classification (germline): Uncertain significance (1 of 4 stars; one submission).

Submission:

GeneDx
Classification: Uncertain significance. Last evaluated: 2022-09-07. Review status: criteria provided, single submitter. Criteria: GeneDx Variant Classification Process June 2021. Collection method: clinical testing. Allele origin: germline. Affected: yes.
Comment: Not observed at significant frequency in large population cohorts (gnomAD); In silico analysis supports that this missense variant has a deleterious effect on protein structure/function; Has not been previously published as pathogenic or benign to our knowledge

NM_001170629.2(CHD8):c.2690A>T (p.Gln897Leu)

Gene: CHD8 (chromodomain helicase DNA binding protein 8; minus strand). Cytogenetic location: 14q11.2.
Variant type: single nucleotide variant.
Coding change: c.2690A>T on transcript NM_001170629.2 (MANE Select); coding-DNA position 2690, A replaced by T.
Protein change: p.Gln897Leu; replaces glutamine 897 with leucine.
Molecular consequence: missense variant.
Genome position (GRCh38, 1-based): chr14:21,408,352, T>A on the plus strand (A>T on the coding strand, the complement: CHD8 is on the minus strand). VCF-style: chr14-21408352-T-A. GRCh37 (hg19) VCF-style: chr14-21876511-T-A.
Other names: c.1853A>T, p.Gln618Leu (NM_020920.4); short protein forms Q618L, Q897L.
Identifiers: ClinVar variation 2444673 (VCV002444673.1), dbSNP rs2501923300, ClinGen allele CA388874689.